The following is an entry in ClinVar:

NM_001379451.1(BCORL1):c.968C>T (p.Pro323Leu)

Gene: BCORL1 (BCL6 corepressor like 1; plus strand). Cytogenetic location: Xq26.1.
Variant type: single nucleotide variant.
Coding change: c.968C>T on transcript NM_001379451.1 (MANE Select); coding-DNA position 968, C replaced by T.
Protein change: p.Pro323Leu; replaces proline 323 with leucine.
Molecular consequence: missense variant.
Genome position (GRCh38, 1-based): chrX:130,013,740, C>T. VCF-style: chrX-130013740-C-T. GRCh37 (hg19) VCF-style: chrX-129147716-C-T.
Other names: c.968C>T, p.Pro323Leu (NM_001184772.3, NM_001379450.1, NM_021946.5); short protein forms P323L.
Identifiers: ClinVar variation 3363232 (VCV003363232.1).

ClinVar aggregate classification (germline): Uncertain significance (1 of 4 stars; one submission).

Submission:

GeneDx
Classification: Uncertain significance. Last evaluated: 2023-10-23. Review status: criteria provided, single submitter. Criteria: GeneDx Variant Classification Process June 2021. Collection method: clinical testing. Allele origin: germline. Affected: yes.
Comment: Not observed at significant frequency in large population cohorts (gnomAD); In silico analysis supports that this missense variant does not alter protein structure/function; Has not been previously published as pathogenic or benign to our knowledge